The following is an entry in ClinVar:

ClinVar aggregate classification (germline): Uncertain significance (1 of 4 stars; one submission).

Conditions:
Encephalopathy, acute, infection-induced (herpes-specific), susceptibility to, 1. Also called: Herpes simplex encephalitis, susceptibility to, 1. Identifiers: Orphanet 1930, MedGen C2750180, MONDO:0024563, OMIM 610551.

Submission:

Labcorp Genetics (formerly Invitae), Labcorp
Classification: Uncertain significance for Encephalopathy, acute, infection-induced (herpes-specific), susceptibility to, 1. Last evaluated: 2019-07-10. Review status: criteria provided, single submitter. Criteria: Invitae Variant Classification Sherloc (09022015). Collection method: clinical testing. Allele origin: germline.
Comment: This variant is not present in population databases (ExAC no frequency). This variant has not been reported in the literature in individuals with TLR3-related conditions. This sequence change creates a premature translational stop signal (p.Ser672*) in the TLR3 gene. It is expected to result in an absent or disrupted protein product. The current clinical and genetic evidence is not sufficient to establish whether loss-of-function variants in TLR3 cause disease. In summary, the available evidence is currently insufficient to determine the role of this variant in disease. Therefore, it has been classified as a Variant of Uncertain Significance.

NM_003265.3(TLR3):c.2015C>G (p.Ser672Ter)

Gene: TLR3 (toll like receptor 3; plus strand). Cytogenetic location: 4q35.1.
Variant type: single nucleotide variant.
Coding change: c.2015C>G on transcript NM_003265.3 (MANE Select); coding-DNA position 2015, C replaced by G.
Protein change: p.Ser672Ter; replaces serine 672 with a stop codon.
Molecular consequence: nonsense.
Genome position (GRCh38, 1-based): chr4:186,083,701, C>G. VCF-style: chr4-186083701-C-G. GRCh37 (hg19) VCF-style: chr4-187004855-C-G.
Other names: short protein forms S672*.
Identifiers: ClinVar variation 946780 (VCV000946780.8), dbSNP rs78758719, ClinGen allele CA358934755.